The following is an entry in ClinVar:

ClinVar aggregate classification (germline): Pathogenic (1 of 4 stars; one submission).

Submission:

Labcorp Genetics (formerly Invitae), Labcorp
Classification: Pathogenic. Last evaluated: 2023-03-08. Review status: criteria provided, single submitter. Criteria: Invitae Variant Classification Sherloc (09022015). Collection method: clinical testing. Allele origin: germline.
Comment: This sequence change creates a premature translational stop signal (p.Asp157Glufs*72) in the CNNM4 gene. It is expected to result in an absent or disrupted protein product. Loss-of-function variants in CNNM4 are known to be pathogenic (PMID: 19200525). This variant is present in population databases (rs778099516, gnomAD 0.0009%). This variant has not been reported in the literature in individuals affected with CNNM4-related conditions. For these reasons, this variant has been classified as Pathogenic.

Literature cited by the submitters: PubMed 19200525.

NM_020184.4(CNNM4):c.471_484del (p.Asp157fs)

Gene: CNNM4 (cyclin and CBS domain divalent metal cation transport mediator 4; plus strand). Cytogenetic location: 2q11.2.
Variant type: Deletion.
Coding change: c.471_484del on transcript NM_020184.4 (MANE Select); coding-DNA positions 471 to 484, 14 bases deleted (CGGGCCCTGGCTGA).
Protein change: p.Asp157fs; shifts the reading frame from aspartic acid 157.
Molecular consequence: frameshift variant.
Genome position (GRCh38, 1-based): chr2:96,761,470-96,761,483, CGGGCCCTGGCTGA deleted; deleting any 14 consecutive bases within chr2:96,761,468-96,761,483 gives the same sequence; the c. name uses the placement nearest the transcript's 3' end. VCF-style (leftmost placement, unchanged base first): chr2-96761467-CGACGGGCCCTGGCT-C. GRCh37 (hg19) VCF-style: chr2-97427204-CGACGGGCCCTGGCT-C.
Other names: short protein forms D157fs.
Identifiers: ClinVar variation 2788411 (VCV002788411.3), dbSNP rs778099516, ClinGen allele CA1783215.